The following is an entry in ClinVar:

NM_000393.5(COL5A2):c.2929C>T (p.Pro977Ser)

Gene: COL5A2 (collagen type V alpha 2 chain; minus strand). Cytogenetic location: 2q32.2.
Variant type: single nucleotide variant.
Coding change: c.2929C>T on transcript NM_000393.5 (MANE Select); coding-DNA position 2929, C replaced by T.
Protein change: p.Pro977Ser; replaces proline 977 with serine.
Molecular consequence: missense variant.
Genome position (GRCh38, 1-based): chr2:189,051,322, G>A on the plus strand (C>T on the coding strand, the complement: COL5A2 is on the minus strand). VCF-style: chr2-189051322-G-A. GRCh37 (hg19) VCF-style: chr2-189916048-G-A.
Other names: short protein forms P977S.
Identifiers: ClinVar variation 665223 (VCV000665223.10), dbSNP rs1576494351, ClinGen allele CA349867366.

ClinVar aggregate classification (germline): Uncertain significance. Review status: criteria provided, multiple submitters, no conflicts (2 of 4 stars). 2 submissions from 2 submitters: Uncertain significance (2). Last evaluated 2023-10-09.

Conditions:
Ehlers-Danlos syndrome, classic type, 1 (EDSCL1). Also called: EDS I; EHLERS-DANLOS SYNDROME, GRAVIS TYPE; EHLERS-DANLOS SYNDROME, SEVERE CLASSIC TYPE; Ehlers-Danlos Syndrome, Classic Type, COL5A1-Related; Ehlers-Danlos syndrome, type 1. Identifiers: MedGen C0268335, MONDO:0019567, OMIM 130000.

Allele frequency attached by ClinVar (database versions not stated): gnomAD exomes below 0.00001.
gnomAD v4.1: 1 of 1,614,038 alleles (0.000062%); highest among the groups gnomAD compares: Non-Finnish European, 0.000085%; no homozygotes.

Submissions (2):

Labcorp Genetics (formerly Invitae), Labcorp
Classification: Uncertain significance for Ehlers-Danlos syndrome, classic type, 1. Last evaluated: 2023-10-09. Review status: criteria provided, single submitter. Criteria: Invitae Variant Classification Sherloc (09022015). Collection method: clinical testing. Allele origin: germline.
Comment: This sequence change replaces proline, which is neutral and non-polar, with serine, which is neutral and polar, at codon 977 of the COL5A2 protein (p.Pro977Ser). This variant is not present in population databases (gnomAD no frequency). This variant has not been reported in the literature in individuals affected with COL5A2-related conditions. ClinVar contains an entry for this variant (Variation ID: 665223). Algorithms developed to predict the effect of missense changes on protein structure and function output the following: SIFT: "Not Available"; PolyPhen-2: "Not Available"; Align-GVGD: "Not Available". The serine amino acid residue is found in multiple mammalian species, which suggests that this missense change does not adversely affect protein function. In summary, the available evidence is currently insufficient to determine the role of this variant in disease. Therefore, it has been classified as a Variant of Uncertain Significance.

GeneDx
Classification: Uncertain significance. Last evaluated: 2023-03-02. Review status: criteria provided, single submitter. Criteria: GeneDx Variant Classification Process June 2021. Collection method: clinical testing. Allele origin: germline. Affected: yes.
Comment: Has not been previously published as pathogenic or benign to our knowledge; Not observed at significant frequency in large population cohorts (gnomAD); In silico analysis supports that this missense variant does not alter protein structure/function